The following is an entry in ClinVar:

NM_007118.4(TRIO):c.3685A>G (p.Arg1229Gly)

Gene: TRIO (trio Rho guanine nucleotide exchange factor; plus strand). Cytogenetic location: 5p15.2.
Variant type: single nucleotide variant.
Coding change: c.3685A>G on transcript NM_007118.4 (MANE Select); coding-DNA position 3685, A replaced by G.
Protein change: p.Arg1229Gly; replaces arginine 1229 with glycine.
Molecular consequence: missense variant. On other transcripts: non-coding transcript variant (1).
Genome position (GRCh38, 1-based): chr5:14,387,552, A>G. VCF-style: chr5-14387552-A-G. GRCh37 (hg19) VCF-style: chr5-14387661-A-G.
Other names: short protein forms R1229G.
Identifiers: ClinVar variation 2507370 (VCV002507370.1), dbSNP rs2532853804, ClinGen allele CA359225484.

ClinVar aggregate classification (germline): Uncertain significance (1 of 4 stars; one submission).

Submission:

GeneDx
Classification: Uncertain significance. Last evaluated: 2022-12-30. Review status: criteria provided, single submitter. Criteria: GeneDx Variant Classification Process June 2021. Collection method: clinical testing. Allele origin: germline. Affected: yes.
Comment: Not observed at significant frequency in large population cohorts (gnomAD); In silico analysis supports that this missense variant has a deleterious effect on protein structure/function; Has not been previously published as pathogenic or benign to our knowledge